The following is an entry in ClinVar:

ClinVar aggregate classification (germline): Uncertain significance. Review status: criteria provided, multiple submitters, no conflicts (2 of 4 stars). 2 submissions from 2 submitters: Uncertain significance (2). Last evaluated 2025-12-20.

Conditions:
DST-related disorder. Also called: DST-related condition; DST-related disorders.
Epidermolysis bullosa simplex 3, localized or generalized intermediate, with BP230 deficiency (EBS3). Also called: Epidermolysis bullosa simplex, autosomal recessive 2; Epidermolysis bullosa simplex due to BP230 deficiency. Identifiers: Orphanet 412181, MedGen C3809470, MONDO:0014180, OMIM 615425.
Hereditary sensory and autonomic neuropathy type 6. Also called: Neuropathy, hereditary sensory and autonomic, type VI; HSAN VI. Identifiers: Orphanet 314381, MedGen C3539003, MONDO:0013839, OMIM 614653.

Allele frequency attached by ClinVar (database versions not stated): gnomAD exomes 0.00001; TOPMed 0.00002.
gnomAD v4.1: 16 of 1,613,952 alleles (0.00099%); highest among the groups gnomAD compares: Admixed American, 0.0067%; no homozygotes.

Submissions (2):

PreventionGenetics, part of Exact Sciences
Classification: Uncertain significance for DST-related condition. Last evaluated: 2025-12-20. Review status: criteria provided, single submitter. Criteria: ACMG Guidelines, 2015. Collection method: clinical testing. Allele origin: germline.
Comment: The DST c.10316A>G variant is predicted to result in the amino acid substitution p.Gln3439Arg. To our knowledge, this variant has not been reported in the literature. This variant is reported in 0.0065% of alleles in individuals of African descent in gnomAD. At this time, the clinical significance of this variant is uncertain due to the absence of conclusive functional and genetic evidence.

Labcorp Genetics (formerly Invitae), Labcorp
Classification: Uncertain significance for Epidermolysis bullosa simplex 3, localized or generalized intermediate, with BP230 deficiency; Hereditary sensory and autonomic neuropathy type 6. Last evaluated: 2024-01-18. Review status: criteria provided, single submitter. Criteria: Invitae Variant Classification Sherloc (09022015). Collection method: clinical testing. Allele origin: germline.
Comment: The DST gene has multiple clinically relevant transcripts. This variant occurs in alternate transcript NM_015548.4, and corresponds to NM_001723.5:c.*78641A>G in the primary transcript. This sequence change replaces glutamine, which is neutral and polar, with arginine, which is basic and polar, at codon 2935 of the DST protein (p.Gln2935Arg). This variant is present in population databases (no rsID available, gnomAD 0.007%). This variant has not been reported in the literature in individuals affected with DST-related conditions. Experimental studies and prediction algorithms are not available or were not evaluated, and the functional significance of this variant is currently unknown. In summary, the available evidence is currently insufficient to determine the role of this variant in disease. Therefore, it has been classified as a Variant of Uncertain Significance.

NM_001374736.1(DST):c.16673A>G (p.Gln5558Arg)

Gene: DST (dystonin; minus strand). Cytogenetic location: 6p12.1.
Variant type: single nucleotide variant.
Coding change: c.16673A>G on transcript NM_001374736.1 (MANE Select); coding-DNA position 16673, A replaced by G.
Protein change: p.Gln5558Arg; replaces glutamine 5558 with arginine.
Molecular consequence: missense variant.
Genome position (GRCh38, 1-based): chr6:56,536,876, T>C on the plus strand (A>G on the coding strand, the complement: DST is on the minus strand). VCF-style: chr6-56536876-T-C. GRCh37 (hg19) VCF-style: chr6-56401674-T-C.
Other names: c.10316A>G, p.Gln3439Arg (NM_001144769.5); c.9902A>G, p.Gln3301Arg (NM_001144770.2); c.16673A>G, p.Gln5558Arg (NM_001374722.1); c.16040A>G, p.Gln5347Arg (NM_001374729.1); c.9782A>G, p.Gln3261Arg (NM_001374730.1, NM_001386100.1, NM_183380.4); c.16700A>G, p.Gln5567Arg (NM_001374734.1); c.8804A>G, p.Gln2935Arg (NM_015548.5); c.10316A>G (NM_001144769.2); short protein forms Q3301R, Q3439R, Q5567R, Q2935R, Q3261R, Q5347R, Q5558R.
Identifiers: ClinVar variation 2933160 (VCV002933160.2), dbSNP rs1360847533, ClinGen allele CA364511558.
Genomic context (GRCh38, chr6:56,536,876, plus strand): 5'-TCCAGGTCATGCTCCAAGCCCTGAGTGCTAGTGCTTTTGGCAGCACTCTGAATAAGGCCT[T>C]GACCTAACCAGTTTACATCTTGCTGTTTACCTTGCAAGGGTTCAATCTCTTCTTTCTGGA-3'
Protein context (NP_001361665.1, residues 5548-5568): GKQQDVNWLG[Gln5558Arg]GLIQSAAKST